The following is an entry in ClinVar:

NM_003124.5(SPR):c.639C>T (p.Ser213=)

Gene: SPR (sepiapterin reductase; plus strand). Cytogenetic location: 2p13.2.
Variant type: single nucleotide variant.
Coding change: c.639C>T on transcript NM_003124.5 (MANE Select); coding-DNA position 639, C replaced by T.
Protein change: p.Ser213=; no amino-acid change (serine 213 retained).
Molecular consequence: synonymous variant.
Genome position (GRCh38, 1-based): chr2:72,891,390, C>T. VCF-style: chr2-72891390-C-T. GRCh37 (hg19) VCF-style: chr2-73118519-C-T.
Identifiers: ClinVar variation 513886 (VCV000513886.16), dbSNP rs113668841, ClinGen allele CA1709010.

ClinVar aggregate classification (germline): Likely benign. Review status: criteria provided, multiple submitters, no conflicts (2 of 4 stars). 4 submissions from 4 submitters: Likely benign (4). Last evaluated 2026-01-08.

Conditions:
SPR-related disorder. Also called: SPR-related condition.
Dystonic disorder. Also called: Dystonia. Identifiers: MedGen C0013421, MONDO:0003441, HP:0001332.

Allele frequency attached by ClinVar (database versions not stated): ExAC 0.00014; gnomAD exomes 0.00016; 1000 Genomes Project 30x 0.00031; 1000 Genomes Project 0.00040; gnomAD 0.00044 and 0.00048; TOPMed 0.00058; ESP Exome Variant Server 0.00062.
gnomAD v4.1: 153 of 1,614,170 alleles (0.0095%); highest among the groups gnomAD compares: African/African-American, 0.14%; no homozygotes.

Submissions (4):

Labcorp Genetics (formerly Invitae), Labcorp
Classification: Likely benign for Dystonic disorder. Last evaluated: 2026-01-08. Review status: criteria provided, single submitter. Criteria: Invitae Variant Classification Sherloc (09022015). Collection method: clinical testing. Allele origin: germline.

PreventionGenetics, part of Exact Sciences
Classification: Likely benign for SPR-related condition. Last evaluated: 2025-08-29. Review status: criteria provided, single submitter. Criteria: ACMG Guidelines, 2015. Collection method: clinical testing. Allele origin: germline.
Comment: This variant is classified as likely benign based on ACMG/AMP sequence variant interpretation guidelines (Richards et al. 2015 PMID: 25741868, with internal and published modifications).

Blueprint Genetics
Classification: Likely benign. Last evaluated: 2024-11-05. Review status: criteria provided, single submitter. Criteria: ACMG Guidelines, 2015. Collection method: clinical testing. Allele origin: germline.

GeneDx
Classification: Likely benign. Last evaluated: 2020-05-15. Review status: criteria provided, single submitter. Criteria: GeneDx Variant Classification Process June 2021. Collection method: clinical testing. Allele origin: germline. Affected: yes.